The following is an entry in ClinVar:

ClinVar aggregate classification (germline): Conflicting classifications of pathogenicity. Review status: criteria provided, conflicting classifications (1 of 4 stars). 2 submissions from 2 submitters: Uncertain significance (1); Likely benign (1). Last evaluated 2026-01-02.

Conditions:
Renal cell carcinoma. Identifiers: Orphanet 217071, MedGen C0007134, MeSH D002292, MONDO:0005086, HP:0005584.
Hereditary cancer-predisposing syndrome. Also called: Tumor predisposition; Hereditary neoplastic syndrome; Hereditary Cancer Syndrome; Neoplastic Syndromes, Hereditary. Identifiers: Orphanet 140162, MedGen C0027672, MeSH D009386, MONDO:0015356.

gnomAD v4.1: 1 of 1,613,924 alleles (0.000062%); no homozygotes.

Submissions (2):

Ambry Genetics
Classification: Likely benign for Hereditary cancer-predisposing syndrome. Last evaluated: 2026-01-02. Review status: criteria provided, single submitter. Criteria: Ambry Variant Classification Scheme 2023. Collection method: clinical testing. Allele origin: germline.

Labcorp Genetics (formerly Invitae), Labcorp
Classification: Uncertain significance for Renal cell carcinoma. Last evaluated: 2019-09-06. Review status: criteria provided, single submitter. Criteria: Invitae Variant Classification Sherloc (09022015). Collection method: clinical testing. Allele origin: germline.
Comment: Algorithms developed to predict the effect of missense changes on protein structure and function (SIFT, PolyPhen-2, Align-GVGD) all suggest that this variant is likely to be tolerated, but these predictions have not been confirmed by published functional studies and their clinical significance is uncertain. In summary, the available evidence is currently insufficient to determine the role of this variant in disease. Therefore, it has been classified as a Variant of Uncertain Significance. This variant has not been reported in the literature in individuals with MET-related conditions. This variant is not present in population databases (ExAC no frequency). This sequence change replaces glutamic acid with glutamine at codon 34 of the MET protein (p.Glu34Gln). The glutamic acid residue is moderately conserved and there is a small physicochemical difference between glutamic acid and glutamine.

NM_000245.4(MET):c.100G>C (p.Glu34Gln)

Gene: MET (MET proto-oncogene, receptor tyrosine kinase; plus strand). Cytogenetic location: 7q31.2.
Variant type: single nucleotide variant.
Coding change: c.100G>C on transcript NM_000245.4 (MANE Select); coding-DNA position 100, G replaced by C.
Protein change: p.Glu34Gln; replaces glutamic acid 34 with glutamine.
Molecular consequence: missense variant. On other transcripts: intron variant (1).
Genome position (GRCh38, 1-based): chr7:116,699,184, G>C. VCF-style: chr7-116699184-G-C. GRCh37 (hg19) VCF-style: chr7-116339238-G-C.
Other names: c.100G>C, p.Glu34Gln (NM_001127500.3, NM_001324401.3); c.-91+26607G>C (NM_001324402.2); short protein forms E34Q.
Identifiers: ClinVar variation 936149 (VCV000936149.10), dbSNP rs764246939, ClinGen allele CA368968338.